The following is an entry in ClinVar:

NM_000238.4(KCNH2):c.973G>C (p.Val325Leu)

Gene: KCNH2 (potassium voltage-gated channel subfamily H member 2; minus strand). Cytogenetic location: 7q36.1.
Variant type: single nucleotide variant.
Coding change: c.973G>C on transcript NM_000238.4 (MANE Select); coding-DNA position 973, G replaced by C.
Protein change: p.Val325Leu; replaces valine 325 with leucine.
Molecular consequence: missense variant.
Genome position (GRCh38, 1-based): chr7:150,957,446, C>G on the plus strand (G>C on the coding strand, the complement: KCNH2 is on the minus strand). VCF-style: chr7-150957446-C-G. GRCh37 (hg19) VCF-style: chr7-150654534-C-G.
Other names: c.685G>C, p.Val229Leu (NM_001406753.1, NM_001406756.1); c.796G>C, p.Val266Leu (NM_001406755.1); c.673G>C, p.Val225Leu (NM_001406757.1); c.973G>C, p.Val325Leu (NM_172056.3); short protein forms V325L, V229L, V225L, V266L.
Identifiers: ClinVar variation 856033 (VCV000856033.8), dbSNP rs149381387, ClinGen allele CA369861756.

ClinVar aggregate classification (germline): Uncertain significance. Review status: criteria provided, multiple submitters, no conflicts (2 of 4 stars). 2 submissions from 2 submitters: Uncertain significance (2). Last evaluated 2022-02-14.

Conditions:
Cardiac arrhythmia. Also called: Arrhythmia; Cardiac rhythm disease. Identifiers: MedGen C0003811, MONDO:0007263, HP:0011675.
Long QT syndrome (LQTS). Identifiers: MedGen C0023976, MeSH D008133, MONDO:0002442. Disease mechanism: loss of function. Inheritance: Various modes of inheritance.

Submissions (2):

Color Diagnostics, LLC DBA Color Health
Classification: Uncertain significance for Cardiac arrhythmia. Last evaluated: 2022-02-14. Review status: criteria provided, single submitter. Criteria: ACMG Guidelines, 2015. Collection method: clinical testing. Allele origin: germline.
Comment: This missense variant replaces valine with leucine at codon 325 of the KCNH2 protein. Computational prediction suggests that this variant may not impact protein structure and function (internally defined REVEL score threshold <= 0.5, PMID: 27666373). To our knowledge, functional studies have not been reported for this variant. This variant has not been reported in individuals affected with cardiovascular disorders in the literature. This variant has not been identified in the general population by the Genome Aggregation Database (gnomAD). The available evidence is insufficient to determine the role of this variant in disease conclusively. Therefore, this variant is classified as a Variant of Uncertain Significance.

Labcorp Genetics (formerly Invitae), Labcorp
Classification: Uncertain significance for Long QT syndrome. Last evaluated: 2021-09-01. Review status: criteria provided, single submitter. Criteria: Invitae Variant Classification Sherloc (09022015). Collection method: clinical testing. Allele origin: germline.